The following is an entry in ClinVar:

NM_194293.4(XIRP1):c.4994A>G (p.Asp1665Gly)

Gene: XIRP1 (xin actin binding repeat containing 1; minus strand). Cytogenetic location: 3p22.2.
Variant type: single nucleotide variant.
Coding change: c.4994A>G on transcript NM_194293.4 (MANE Select); coding-DNA position 4994, A replaced by G.
Protein change: p.Asp1665Gly; replaces aspartic acid 1665 with glycine.
Molecular consequence: missense variant. On other transcripts: 3 prime UTR variant (1).
Genome position (GRCh38, 1-based): chr3:39,184,452, T>C on the plus strand (A>G on the coding strand, the complement: XIRP1 is on the minus strand). VCF-style: chr3-39184452-T-C. GRCh37 (hg19) VCF-style: chr3-39225943-T-C.
Other names: c.*1201A>G (NM_001198621.4); c.1043A>G, p.Asp348Gly (NM_001351377.2); short protein forms D1665G, D348G.
Identifiers: ClinVar variation 3039515 (VCV003039515.2), dbSNP rs76791312, ClinGen allele CA2325746.

ClinVar aggregate classification (germline): Benign (0 of 4 stars; one submission).

Conditions:
XIRP1-related disorder. Also called: XIRP1-related condition.

Allele frequency attached by ClinVar (database versions not stated): gnomAD exomes 0.00028; ExAC 0.00118; gnomAD 0.00355; ESP Exome Variant Server 0.00384; TOPMed 0.00392; 1000 Genomes Project 0.00539; 1000 Genomes Project 30x 0.00593.

Submission:

PreventionGenetics, part of Exact Sciences
Classification: Benign for XIRP1-related condition. Last evaluated: 2019-05-27. Review status: no assertion criteria provided. Collection method: clinical testing. Allele origin: germline.
Comment: This variant is classified as benign based on ACMG/AMP sequence variant interpretation guidelines (Richards et al. 2015 PMID: 25741868, with internal and published modifications).